The following is an entry in ClinVar:

ClinVar aggregate classification (germline): Uncertain significance (1 of 4 stars; one submission).

Conditions:
Congenital contractural arachnodactyly (CCA). Also called: Beals-Hecht syndrome; Arthrogryposis, distal, type 9; BEALS SYNDROME. Identifiers: Orphanet 115, MedGen C0220668, MONDO:0007363, OMIM 121050.

Submission:

Labcorp Genetics (formerly Invitae), Labcorp
Classification: Uncertain significance for Congenital contractural arachnodactyly. Last evaluated: 2022-11-08. Review status: criteria provided, single submitter. Criteria: Invitae Variant Classification Sherloc (09022015). Collection method: clinical testing. Allele origin: unknown.
Comment: In summary, the available evidence is currently insufficient to determine the role of this variant in disease. Therefore, it has been classified as a Variant of Uncertain Significance. This variant has not been reported in the literature in individuals affected with FBN2-related conditions. This variant is a gross deletion of the genomic region encompassing exon(s) 1-25 of the FBN2 gene, which includes the initiator codon. This deletion extends beyond the assayed region for this gene and therefore may encompass additional genes. It is expected to result in an absent or disrupted protein product. However, the current clinical and genetic evidence is not sufficient to establish whether loss-of-function variants in FBN2 cause disease.

NC_000005.9:g.(?_127680057)_(127873296_?)del

Gene: FBN2 (fibrillin 2; minus strand). Cytogenetic location: 5q23.3.
Variant type: Deletion.
Identifiers: ClinVar variation 3246293 (VCV003246293.1).